The following is an entry in ClinVar:

ClinVar aggregate classification (germline): Likely benign (1 of 4 stars; one submission).

Allele frequency attached by ClinVar (database versions not stated): gnomAD 0.01058 and 0.01137; TOPMed 0.01158; 1000 Genomes Project 0.01198; ESP Exome Variant Server 0.01285; 1000 Genomes Project 30x 0.01296.
gnomAD v4.1: 2,939 of 1,558,234 alleles (0.19%); highest among the groups gnomAD compares: African/African-American, 3.7%; 44 homozygotes.

Submission:

GeneDx
Classification: Likely benign. Last evaluated: 2018-06-14. Review status: criteria provided, single submitter. Criteria: GeneDx Variant Classification (06012015). Collection method: clinical testing. Allele origin: germline. Affected: yes.
Comment: This variant is considered likely benign or benign based on one or more of the following criteria: it is a conservative change, it occurs at a poorly conserved position in the protein, it is predicted to be benign by multiple in silico algorithms, and/or has population frequency not consistent with disease.

NM_006859.4(LIAS):c.218+29G>A

Gene: LIAS (lipoic acid synthetase; plus strand). Cytogenetic location: 4p14.
Variant type: single nucleotide variant.
Coding change: c.218+29G>A on transcript NM_006859.4 (MANE Select); 29 bases into the intron after coding-DNA position 218, G replaced by A.
Molecular consequence: intron variant.
Genome position (GRCh38, 1-based): chr4:39,460,991, G>A. VCF-style: chr4-39460991-G-A. GRCh37 (hg19) VCF-style: chr4-39462611-G-A.
Other names: c.218+29G>A (NM_194451.3, NM_001278590.2, NM_001363700.2 and 2 more transcripts).
Identifiers: ClinVar variation 670852 (VCV000670852.1), dbSNP rs74846190, ClinGen allele CA2894612.